The following is an entry in ClinVar:

NM_000090.4(COL3A1):c.218A>G (p.Asp73Gly)

Gene: COL3A1 (collagen type III alpha 1 chain; plus strand). Cytogenetic location: 2q32.2.
Variant type: single nucleotide variant.
Coding change: c.218A>G on transcript NM_000090.4 (MANE Select); coding-DNA position 218, A replaced by G.
Protein change: p.Asp73Gly; replaces aspartic acid 73 with glycine.
Molecular consequence: missense variant.
Genome position (GRCh38, 1-based): chr2:188,984,898, A>G. VCF-style: chr2-188984898-A-G. GRCh37 (hg19) VCF-style: chr2-189849624-A-G.
Other names: short protein forms D73G.
Identifiers: ClinVar variation 3069600 (VCV003069600.1), dbSNP rs2469106248, ClinGen allele CA349847250.

ClinVar aggregate classification (germline): Uncertain significance (1 of 4 stars; one submission).

Conditions:
Ehlers-Danlos syndrome, type 4 (EDSVASC). Also called: Ehlers-Danlos Syndrome Type IV; Ehlers-Danlos syndrome vascular type; Ehlers Danlos syndrome, ecchymotic type; Ehlers Danlos syndrome, arterial type; Ehlers Danlos syndrome, Sack-Barabas type. Identifiers: Orphanet 286, MedGen C0268338, MONDO:0017314, OMIM 130050.

Submission:

All of Us Research Program, National Institutes of Health
Classification: Uncertain significance for Ehlers-Danlos syndrome, type 4. Last evaluated: 2023-02-24. Review status: criteria provided, single submitter. Criteria: ACMG Guidelines, 2015. Collection method: clinical testing. Allele origin: germline. Inheritance: Autosomal dominant inheritance. Observed: 1 variant allele, 1 heterozygote.
Comment: This missense variant replaces aspartic acid with glycine at codon 73 of the COL3A1 protein. Computational prediction is inconclusive regarding the impact of this variant on protein structure and function (internally defined REVEL score threshold 0.5 < inconclusive < 0.7, PMID: 27666373). To our knowledge, functional studies have not been reported for this variant. This variant has not been reported in individuals affected with COL3A1-related disorders in the literature. This variant has not been identified in the general population by the Genome Aggregation Database (gnomAD). The available evidence is insufficient to determine the role of this variant in disease conclusively. Therefore, this variant is classified as a Variant of Uncertain Significance.

This study involves interpretation of variants in research participants for the purpose of population health screening. Participant phenotype was not available at the time of variant classification. Additional details can be found in publication PMID: 35346344, PMCID: PMC8962531